The following is an entry in ClinVar:

ClinVar aggregate classification (germline): Uncertain significance (1 of 4 stars; one submission).

Submission:

Labcorp Genetics (formerly Invitae), Labcorp
Classification: Uncertain significance. Last evaluated: 2023-11-24. Review status: criteria provided, single submitter. Criteria: Invitae Variant Classification Sherloc (09022015). Collection method: clinical testing. Allele origin: germline.
Comment: This sequence change replaces leucine, which is neutral and non-polar, with phenylalanine, which is neutral and non-polar, at codon 130 of the CLCN6 protein (p.Leu130Phe). This variant is not present in population databases (gnomAD no frequency). This variant has not been reported in the literature in individuals affected with CLCN6-related conditions. An algorithm developed to predict the effect of missense changes on protein structure and function (PolyPhen-2) suggests that this variant is likely to be disruptive. In summary, the available evidence is currently insufficient to determine the role of this variant in disease. Therefore, it has been classified as a Variant of Uncertain Significance.

NM_001286.5(CLCN6):c.388C>T (p.Leu130Phe)

Gene: CLCN6 (chloride voltage-gated channel 6; plus strand). Cytogenetic location: 1p36.22.
Variant type: single nucleotide variant.
Coding change: c.388C>T on transcript NM_001286.5 (MANE Select); coding-DNA position 388, C replaced by T.
Protein change: p.Leu130Phe; replaces leucine 130 with phenylalanine.
Molecular consequence: missense variant. On other transcripts: non-coding transcript variant (1).
Genome position (GRCh38, 1-based): chr1:11,822,736, C>T. VCF-style: chr1-11822736-C-T. GRCh37 (hg19) VCF-style: chr1-11882793-C-T.
Other names: c.322C>T, p.Leu108Phe (NM_001256959.2); short protein forms L130F, L108F.
Identifiers: ClinVar variation 2745467 (VCV002745467.3), dbSNP rs1327948941, ClinGen allele CA338427260.